The following is an entry in ClinVar:

ClinVar aggregate classification (germline): Uncertain significance (1 of 4 stars; one submission).

gnomAD v4.1: 2 of 1,614,206 alleles (0.00012%); no homozygotes.

Submission:

GeneDx
Classification: Uncertain significance. Last evaluated: 2025-05-28. Review status: criteria provided, single submitter. Criteria: GeneDx Variant Classification Process June 2021. Collection method: clinical testing. Allele origin: germline. Affected: yes.
Comment: Not observed at significant frequency in large population cohorts (gnomAD); In silico analysis supports that this missense variant has a deleterious effect on protein structure/function; Has not been previously published as pathogenic or benign to our knowledge

NM_016284.5(CNOT1):c.20C>T (p.Ser7Leu)

Gene: CNOT1 (CCR4-NOT transcription complex subunit 1; minus strand). Cytogenetic location: 16q21.
Variant type: single nucleotide variant.
Coding change: c.20C>T on transcript NM_016284.5 (MANE Select); coding-DNA position 20, C replaced by T.
Protein change: p.Ser7Leu; replaces serine 7 with leucine.
Molecular consequence: missense variant. On other transcripts: non-coding transcript variant (1).
Genome position (GRCh38, 1-based): chr16:58,599,318, G>A on the plus strand (C>T on the coding strand, the complement: CNOT1 is on the minus strand). VCF-style: chr16-58599318-G-A. GRCh37 (hg19) VCF-style: chr16-58633222-G-A.
Other names: c.20C>T, p.Ser7Leu (NM_001265612.2, NM_206999.3); short protein forms S7L.
Identifiers: ClinVar variation 4532474 (VCV004532474.1).